The following is an entry in ClinVar:

ClinVar aggregate classification (germline): Uncertain significance (1 of 4 stars; one submission).

gnomAD v4.1: 1 of 1,614,096 alleles (0.000062%); highest among the groups gnomAD compares: Non-Finnish European, 0.000085%; no homozygotes.

Submission:

Women's Health and Genetics/Laboratory Corporation of America, LabCorp
Classification: Uncertain significance. Last evaluated: 2025-05-08. Review status: criteria provided, single submitter. Criteria: LabCorp Variant Classification Summary - May 2015. Collection method: clinical testing. Allele origin: germline.
Comment: Variant summary: SETBP1 c.3848A>C (p.Glu1283Ala) results in a non-conservative amino acid change in the encoded protein sequence. Algorithms developed to predict the effect of missense changes on protein structure and function are either unavailable or do not agree on the potential impact of this missense change. The variant allele was found at a frequency of 4e-06 in 250184 control chromosomes. The available data on variant occurrences in the general population are insufficient to allow any conclusion about variant significance. To our knowledge, no occurrence of c.3848A>C in individuals affected with SETBP1-Related Disorders and no experimental evidence demonstrating its impact on protein function have been reported. No submitters have cited clinical-significance assessments for this variant to ClinVar. Based on the evidence outlined above, the variant was classified as uncertain significance.

NM_015559.3(SETBP1):c.3848A>C (p.Glu1283Ala)

Gene: SETBP1 (SET binding protein 1; plus strand). Cytogenetic location: 18q12.3.
Variant type: single nucleotide variant.
Coding change: c.3848A>C on transcript NM_015559.3 (MANE Select); coding-DNA position 3848, A replaced by C.
Protein change: p.Glu1283Ala; replaces glutamic acid 1283 with alanine.
Molecular consequence: missense variant.
Genome position (GRCh38, 1-based): chr18:44,953,188, A>C. VCF-style: chr18-44953188-A-C. GRCh37 (hg19) VCF-style: chr18-42533153-A-C.
Other names: c.3848A>C, p.Glu1283Ala (NM_001379141.1, NM_001379142.1, NM_001410862.1); short protein forms E1283A.
Identifiers: ClinVar variation 3902411 (VCV003902411.1).